The following is an entry in ClinVar:

NM_000302.4(PLOD1):c.596C>T (p.Thr199Ile)

Gene: PLOD1 (procollagen-lysine,2-oxoglutarate 5-dioxygenase 1; plus strand). Cytogenetic location: 1p36.22.
Variant type: single nucleotide variant.
Coding change: c.596C>T on transcript NM_000302.4 (MANE Select); coding-DNA position 596, C replaced by T.
Protein change: p.Thr199Ile; replaces threonine 199 with isoleucine.
Molecular consequence: missense variant.
Genome position (GRCh38, 1-based): chr1:11,954,846, C>T. VCF-style: chr1-11954846-C-T. GRCh37 (hg19) VCF-style: chr1-12014903-C-T.
Other names: c.737C>T, p.Thr246Ile (NM_001316320.2); short protein forms T199I, T246I.
Identifiers: ClinVar variation 4635503 (VCV004635503.1).

ClinVar aggregate classification (germline): Uncertain significance (1 of 4 stars; one submission).

Conditions:
Familial thoracic aortic aneurysm and aortic dissection (TAAD). Also called: Thoracic aortic aneurysms and dissections. Identifiers: Orphanet 91387, MedGen C4707243, MONDO:0019625.

Submission:

Ambry Genetics
Classification: Uncertain significance for Familial thoracic aortic aneurysm and aortic dissection. Last evaluated: 2025-09-17. Review status: criteria provided, single submitter. Criteria: Ambry Variant Classification Scheme 2023. Collection method: clinical testing. Allele origin: germline.
Comment: The p.T199I variant (also known as c.596C>T), located in coding exon 6 of the PLOD1 gene, results from a C to T substitution at nucleotide position 596. The threonine at codon 199 is replaced by isoleucine, an amino acid with similar properties. This amino acid position is conserved. In addition, this alteration is predicted to be tolerated by in silico analysis. Based on the available evidence, the clinical significance of this variant remains unclear.